The following is an entry in ClinVar:

NM_001382430.1(AKT1):c.1397G>A (p.Arg466Lys)

Gene: AKT1 (AKT serine/threonine kinase 1; minus strand). Cytogenetic location: 14q32.33.
Variant type: single nucleotide variant.
Coding change: c.1397G>A on transcript NM_001382430.1 (MANE Select); coding-DNA position 1397, G replaced by A.
Protein change: p.Arg466Lys; replaces arginine 466 with lysine.
Molecular consequence: missense variant.
Genome position (GRCh38, 1-based): chr14:104,770,387, C>T on the plus strand (G>A on the coding strand, the complement: AKT1 is on the minus strand). VCF-style: chr14-104770387-C-T. GRCh37 (hg19) VCF-style: chr14-105236724-C-T.
Other names: c.1397G>A, p.Arg466Lys (NM_001014431.2, NM_001014432.2, NM_001382431.1 and 3 more transcripts); short protein forms R466K.
Identifiers: ClinVar variation 2123387 (VCV002123387.4), dbSNP rs2542099491, ClinGen allele CA391214299.

ClinVar aggregate classification (germline): Uncertain significance (1 of 4 stars; one submission).

Conditions:
Cowden syndrome 6 (CWS6). Identifiers: Orphanet 201, MedGen C3554519, MONDO:0014048, OMIM 615109.

Submission:

Labcorp Genetics (formerly Invitae), Labcorp
Classification: Uncertain significance for Cowden syndrome 6. Last evaluated: 2022-04-08. Review status: criteria provided, single submitter. Criteria: Invitae Variant Classification Sherloc (09022015). Collection method: clinical testing. Allele origin: germline.
Comment: In summary, the available evidence is currently insufficient to determine the role of this variant in disease. Therefore, it has been classified as a Variant of Uncertain Significance. Algorithms developed to predict the effect of missense changes on protein structure and function are either unavailable or do not agree on the potential impact of this missense change (SIFT: "Tolerated"; PolyPhen-2: "Possibly Damaging"; Align-GVGD: "Class C0"). This variant has not been reported in the literature in individuals affected with AKT1-related conditions. This variant is not present in population databases (gnomAD no frequency). This sequence change replaces arginine, which is basic and polar, with lysine, which is basic and polar, at codon 466 of the AKT1 protein (p.Arg466Lys).